The following is an entry in ClinVar:

NM_004304.5(ALK):c.2867T>C (p.Val956Ala)

Gene: ALK (ALK receptor tyrosine kinase; minus strand). Cytogenetic location: 2p23.2.
Variant type: single nucleotide variant.
Coding change: c.2867T>C on transcript NM_004304.5 (MANE Select); coding-DNA position 2867, T replaced by C.
Protein change: p.Val956Ala; replaces valine 956 with alanine.
Molecular consequence: missense variant.
Genome position (GRCh38, 1-based): chr2:29,227,621, A>G on the plus strand (T>C on the coding strand, the complement: ALK is on the minus strand). VCF-style: chr2-29227621-A-G. GRCh37 (hg19) VCF-style: chr2-29450487-A-G.
Other names: short protein forms V956A.
Identifiers: ClinVar variation 2566596 (VCV002566596.2), dbSNP rs1573132672, ClinGen allele CA346468548.
Genomic context (GRCh38, chr2:29,227,621, plus strand): 5'-GCAGAGAAGCTACCTTTTAAAGCTGGGGTGTACAGGATGCCCAGTGGACTGATGAAGGAA[A>G]CCCCATCTTCCCCATCCATTTCGGGGTCATTGTTTGAGGCTGCATTGCCGCCTGAGTAGC-3'
Protein context (NP_004295.2, residues 946-966): NDPEMDGEDG[Val956Ala]SFISPLGILY

ClinVar aggregate classification (germline): Uncertain significance (1 of 4 stars; one submission).

Conditions:
Hereditary cancer-predisposing syndrome. Also called: Hereditary neoplastic syndrome; Hereditary Cancer Syndrome; Neoplastic Syndromes, Hereditary; Tumor predisposition. Identifiers: Orphanet 140162, MedGen C0027672, MeSH D009386, MONDO:0015356.

Allele frequency attached by ClinVar (database versions not stated): gnomAD exomes below 0.00001.
gnomAD v4.1: 1 of 1,613,712 alleles (0.000062%); highest among the groups gnomAD compares: Non-Finnish European, 0.000085%; no homozygotes.

Submission:

Ambry Genetics
Classification: Uncertain significance for Hereditary cancer-predisposing syndrome. Last evaluated: 2023-05-19. Review status: criteria provided, single submitter. Criteria: Ambry Variant Classification Scheme 2023. Collection method: clinical testing. Allele origin: germline.
Comment: The p.V956A variant (also known as c.2867T>C), located in coding exon 17 of the ALK gene, results from a T to C substitution at nucleotide position 2867. The valine at codon 956 is replaced by alanine, an amino acid with similar properties. This amino acid position is conserved. In addition, this alteration is predicted to be tolerated by in silico analysis. Since supporting evidence is limited at this time, the clinical significance of this alteration remains unclear.